The following is an entry in ClinVar:

NM_152743.4(BRAT1):c.1828C>T (p.Arg610Trp)

Gene: BRAT1 (BRCA1 associated ATM activator 1; minus strand). Cytogenetic location: 7p22.3.
Variant type: single nucleotide variant.
Coding change: c.1828C>T on transcript NM_152743.4 (MANE Select); coding-DNA position 1828, C replaced by T.
Protein change: p.Arg610Trp; replaces arginine 610 with tryptophan.
Molecular consequence: missense variant. On other transcripts: non-coding transcript variant (1).
Genome position (GRCh38, 1-based): chr7:2,538,707, G>A on the plus strand (C>T on the coding strand, the complement: BRAT1 is on the minus strand). VCF-style: chr7-2538707-G-A. GRCh37 (hg19) VCF-style: chr7-2578341-G-A.
Other names: c.2008C>T, p.Arg670Trp (NM_001350626.2); c.1303C>T, p.Arg435Trp (NM_001350627.2); short protein forms R610W, R435W, R670W.
Identifiers: ClinVar variation 446895 (VCV000446895.63), dbSNP rs61753094, ClinGen allele CA4127544.

ClinVar aggregate classification (germline): Conflicting classifications of pathogenicity. Review status: criteria provided, conflicting classifications (1 of 4 stars). 9 submissions from 9 submitters: Uncertain significance (4); Likely benign (4). 1 of the submissions does not count toward it. Last evaluated 2026-03-01.

Conditions:
BRAT1-related disorder. Also called: BRAT1-related disorders; BRAT1-related condition.
Neonatal-onset encephalopathy with rigidity and seizures. Also called: Lethal neonatal spasticity-epileptic encephalopathy syndrome. Identifiers: Orphanet 435845, MedGen C3281029, MONDO:0013784, OMIM 614498.
Neurodevelopmental disorder with cerebellar atrophy and with or without seizures. Identifiers: MedGen C4748032, MONDO:0020841, OMIM 618056.

Allele frequency attached by ClinVar (database versions not stated): 1000 Genomes Project 30x 0.00031; 1000 Genomes Project 0.00040; gnomAD exomes 0.00124; ExAC 0.00130; ESP Exome Variant Server 0.00141; TOPMed 0.00142; gnomAD 0.00145 and 0.00152.

Submissions (9):

CeGaT Center for Human Genetics Tuebingen
Classification: Likely benign. Last evaluated: 2026-03-01. Review status: criteria provided, single submitter. Criteria: CeGaT Center For Human Genetics Tuebingen Variant Classification Criteria Version 2. Collection method: clinical testing. Allele origin: germline. Affected: yes. Observed: 4 variant alleles.
Comment: BRAT1: BS2

Labcorp Genetics (formerly Invitae), Labcorp
Classification: Likely benign for Neonatal-onset encephalopathy with rigidity and seizures. Last evaluated: 2026-01-21. Review status: criteria provided, single submitter. Criteria: Invitae Variant Classification Sherloc (09022015). Collection method: clinical testing. Allele origin: germline.

Blueprint Genetics
Classification: Uncertain significance. Last evaluated: 2024-10-25. Review status: criteria provided, single submitter. Criteria: ACMG Guidelines, 2015. Collection method: clinical testing. Allele origin: germline.

Daryl Scott Lab, Baylor College of Medicine
Classification: Likely benign for BRAT1-related disorder. Last evaluated: 2023-11-10. Review status: criteria provided, single submitter. Criteria: ACMG Guidelines, 2015. Collection method: clinical testing. Allele origin: biparental.

GeneDx
Classification: Likely benign. Last evaluated: 2020-10-22. Review status: criteria provided, single submitter. Criteria: GeneDx Variant Classification Process June 2021. Collection method: clinical testing. Allele origin: germline. Affected: yes.

Athena Diagnostics
Classification: Uncertain significance. Last evaluated: 2019-12-02. Review status: criteria provided, single submitter. Criteria: Athena Diagnostics Criteria. Collection method: clinical testing. Allele origin: unknown.

Revvity Omics, Revvity
Classification: Uncertain significance. Last evaluated: 2019-10-14. Review status: criteria provided, single submitter. Criteria: ACMG Guidelines, 2015. Collection method: clinical testing. Allele origin: germline.

Fulgent Genetics
Classification: Uncertain significance for Neonatal-onset encephalopathy with rigidity and seizures; Neurodevelopmental disorder with cerebellar atrophy and with or without seizures. Last evaluated: 2018-10-31. Review status: criteria provided, single submitter. Criteria: ACMG Guidelines, 2015. Collection method: clinical testing. Allele origin: unknown.

PreventionGenetics, part of Exact Sciences
Classification: Likely benign for BRAT1-related condition. Last evaluated: 2023-11-22. Review status: no assertion criteria provided. Collection method: clinical testing. Allele origin: germline. Not counted in ClinVar's aggregate classification.
Comment: This variant is classified as likely benign based on ACMG/AMP sequence variant interpretation guidelines (Richards et al. 2015 PMID: 25741868, with internal and published modifications).